The following is an entry in ClinVar:

ClinVar aggregate classification (germline): Uncertain significance (1 of 4 stars; one submission).

Conditions:
Congenital factor V deficiency. Also called: Hereditary factor V deficiency disease; LABILE FACTOR DEFICIENCY; PARAHEMOPHILIA; OWREN PARAHEMOPHILIA. Identifiers: Orphanet 326, MedGen C0015499, MONDO:0009210, OMIM 227400.

gnomAD v4.1: 1 of 1,613,938 alleles (0.000062%); highest among the groups gnomAD compares: Non-Finnish European, 0.000085%; no homozygotes.

Submission:

Labcorp Genetics (formerly Invitae), Labcorp
Classification: Uncertain significance for Congenital factor V deficiency. Last evaluated: 2025-01-07. Review status: criteria provided, single submitter. Criteria: Invitae Variant Classification Sherloc (09022015). Collection method: clinical testing. Allele origin: germline.
Comment: This sequence change replaces leucine, which is neutral and non-polar, with arginine, which is basic and polar, at codon 1204 of the F5 protein (p.Leu1204Arg). This variant is present in population databases (rs754883543, gnomAD 0.0009%). This variant has not been reported in the literature in individuals affected with F5-related conditions. Invitae Evidence Modeling of protein sequence and biophysical properties (such as structural, functional, and spatial information, amino acid conservation, physicochemical variation, residue mobility, and thermodynamic stability) indicates that this missense variant is not expected to disrupt F5 protein function with a negative predictive value of 80%. In summary, the available evidence is currently insufficient to determine the role of this variant in disease. Therefore, it has been classified as a Variant of Uncertain Significance.

NM_000130.5(F5):c.3611T>G (p.Leu1204Arg)

Gene: F5 (coagulation factor V; minus strand). Cytogenetic location: 1q24.2.
Variant type: single nucleotide variant.
Coding change: c.3611T>G on transcript NM_000130.5 (MANE Select); coding-DNA position 3611, T replaced by G.
Protein change: p.Leu1204Arg; replaces leucine 1204 with arginine.
Molecular consequence: missense variant.
Genome position (GRCh38, 1-based): chr1:169,541,479, A>C on the plus strand (T>G on the coding strand, the complement: F5 is on the minus strand). VCF-style: chr1-169541479-A-C. GRCh37 (hg19) VCF-style: chr1-169510717-A-C.
Other names: short protein forms L1204R.
Identifiers: ClinVar variation 3714872 (VCV003714872.2).